The following is an entry in ClinVar:

NC_000023.10:g.(?_22094486)_(22115176_?)del

Gene: PHEX (phosphate regulating endopeptidase X-linked; plus strand). Cytogenetic location: Xp22.11.
Variant type: Deletion.
Identifiers: ClinVar variation 3246033 (VCV003246033.1).

ClinVar aggregate classification (germline): Pathogenic (1 of 4 stars; one submission).

Submission:

Labcorp Genetics (formerly Invitae), Labcorp
Classification: Pathogenic. Last evaluated: 2023-02-24. Review status: criteria provided, single submitter. Criteria: Invitae Variant Classification Sherloc (09022015). Collection method: clinical testing. Allele origin: unknown.
Comment: This variant is a gross deletion of the genomic region encompassing exon(s) 4-8 of the PHEX gene. This deletion is out-of-frame, and is expected to create a premature termination codon and result in an absent or disrupted protein product. Loss-of-function variants in PHEX are known to be pathogenic (PMID: 9097956, 9106524, 19219621). This variant has not been reported in the literature in individuals affected with PHEX-related conditions. For these reasons, this variant has been classified as Pathogenic.

Literature cited by the submitters: PubMed 9097956; PubMed 9106524; PubMed 19219621.